The following is an entry in ClinVar:

NM_003906.5(MCM3AP):c.3336-3T>C

Gene: MCM3AP (minichromosome maintenance complex component 3 associated protein; minus strand). Cytogenetic location: 21q22.3.
Variant type: single nucleotide variant.
Coding change: c.3336-3T>C on transcript NM_003906.5 (MANE Select); 3 bases into the intron before coding-DNA position 3336, T replaced by C.
Molecular consequence: intron variant.
Genome position (GRCh38, 1-based): chr21:46,261,414, A>G on the plus strand (T>C on the coding strand, the complement: MCM3AP is on the minus strand). VCF-style: chr21-46261414-A-G. GRCh37 (hg19) VCF-style: chr21-47681328-A-G.
Identifiers: ClinVar variation 1348389 (VCV001348389.6), dbSNP rs764811409, ClinGen allele CA10076511.
Genomic context (GRCh38, chr21:46,261,414, plus strand): 5'-CCTCAAAATGCCCGTGGTTGCAGCTGTTAACAAATCCTCCATAGCAGCATTAGAAACACT[A>G]AACGGAGCAAAGGGGATAGCATTCAAAATCAGAGTCAAGGCCGGGTGCGGTGGCTCACGC-3'

ClinVar aggregate classification (germline): Conflicting classifications of pathogenicity. Review status: criteria provided, conflicting classifications (1 of 4 stars). 2 submissions from 2 submitters: Uncertain significance (1); Likely benign (1). Last evaluated 2025-07-14.

Conditions:
Peripheral neuropathy, autosomal recessive, with or without impaired intellectual development. Identifiers: MedGen C4748283, MONDO:0029131, OMIM 618124.

Allele frequency attached by ClinVar (database versions not stated): gnomAD exomes 0.00003; ExAC 0.00004.
gnomAD v4.1: 84 of 1,613,656 alleles (0.0052%); highest among the groups gnomAD compares: Non-Finnish European, 0.0069%; no homozygotes.

Submissions (2):

Labcorp Genetics (formerly Invitae), Labcorp
Classification: Uncertain significance. Last evaluated: 2025-07-14. Review status: criteria provided, single submitter. Criteria: Invitae Variant Classification Sherloc (09022015). Collection method: clinical testing. Allele origin: germline.
Comment: This sequence change falls in intron 13 of the MCM3AP gene. It does not directly change the encoded amino acid sequence of the MCM3AP protein. It affects a nucleotide within the consensus splice site. This variant is present in population databases (rs764811409, gnomAD 0.007%). This variant has not been reported in the literature in individuals affected with MCM3AP-related conditions. ClinVar contains an entry for this variant (Variation ID: 1348389). Variants that disrupt the consensus splice site are a relatively common cause of aberrant splicing (PMID: 17576681, 9536098). Algorithms developed to predict the effect of sequence changes on RNA splicing suggest that this variant is not likely to affect RNA splicing. In summary, the available evidence is currently insufficient to determine the role of this variant in disease. Therefore, it has been classified as a Variant of Uncertain Significance.

Blueprint Genetics
Classification: Likely benign. Last evaluated: 2024-11-08. Review status: criteria provided, single submitter. Criteria: ACMG Guidelines, 2015. Collection method: clinical testing. Allele origin: germline.

Literature cited by the submitters: PubMed 17576681 (cited by Labcorp Genetics (formerly Invitae), Labcorp); PubMed 9536098 (cited by Labcorp Genetics (formerly Invitae), Labcorp).